The following is an entry in ClinVar:

NM_016360.4(TACO1):c.89G>A (p.Arg30His)

Gene: TACO1 (translational activator of cytochrome c oxidase I; plus strand). Cytogenetic location: 17q23.3.
Variant type: single nucleotide variant.
Coding change: c.89G>A on transcript NM_016360.4 (MANE Select); coding-DNA position 89, G replaced by A.
Protein change: p.Arg30His; replaces arginine 30 with histidine.
Molecular consequence: missense variant.
Genome position (GRCh38, 1-based): chr17:63,601,172, G>A. VCF-style: chr17-63601172-G-A. GRCh37 (hg19) VCF-style: chr17-61678531-G-A.
Other names: short protein forms R30H.
Identifiers: ClinVar variation 4076737 (VCV004076737.1).

ClinVar aggregate classification (germline): Uncertain significance (1 of 4 stars; one submission).

Submission:

GeneDx
Classification: Uncertain significance. Last evaluated: 2025-02-21. Review status: criteria provided, single submitter. Criteria: GeneDx Variant Classification Process June 2021. Collection method: clinical testing. Allele origin: germline. Affected: yes.
Comment: Not observed at significant frequency in large population cohorts (gnomAD); In silico analysis indicates that this missense variant does not alter protein structure/function; Has not been previously published as pathogenic or benign to our knowledge